The following is an entry in ClinVar:

NM_012318.3(LETM1):c.393C>A (p.Asn131Lys)

Gene: LETM1 (leucine zipper and EF-hand containing transmembrane protein 1; minus strand). Cytogenetic location: 4p16.3.
Variant type: single nucleotide variant.
Coding change: c.393C>A on transcript NM_012318.3 (MANE Select); coding-DNA position 393, C replaced by A.
Protein change: p.Asn131Lys; replaces asparagine 131 with lysine.
Molecular consequence: missense variant.
Genome position (GRCh38, 1-based): chr4:1,841,548, G>T on the plus strand (C>A on the coding strand, the complement: LETM1 is on the minus strand). VCF-style: chr4-1841548-G-T. GRCh37 (hg19) VCF-style: chr4-1843275-G-T.
Other names: short protein forms N131K.
Identifiers: ClinVar variation 784486 (VCV000784486.36), dbSNP rs145996246, ClinGen allele CA2811642.
Genomic context (GRCh38, chr4:1,841,548, plus strand): 5'-CTTCTTCACCACCACCTCTGCGGGGGGGCTGTACACCGGGCCGCCTTCCTCCAGCTTCTT[G>T]TTCTTGTCCTTCAAGGACTTGAGGGACTTCTCTACTACCGAGTCATCGCGAACAGGGCGC-3'
Protein context (NP_036450.1, residues 121-141): EKSLKSLKDK[Asn131Lys]KKLEEGGPVY

ClinVar aggregate classification (germline): Benign/Likely benign. Review status: criteria provided, multiple submitters, no conflicts (2 of 4 stars). 4 submissions from 4 submitters: Benign (3); Likely benign (1). Last evaluated 2026-01-25.

Conditions:
4p partial monosomy syndrome (WHS). Also called: PITT SYNDROME; Wolf-Hirschhorn syndrome; WITTWER SYNDROME; CHROMOSOME 4p16.3 DELETION SYNDROME. Identifiers: Orphanet 280, MedGen C1956097, MONDO:0008684, OMIM 194190.

Allele frequency attached by ClinVar (database versions not stated): TOPMed 0.00710; 1000 Genomes Project 0.00739; 1000 Genomes Project 30x 0.00765; ESP Exome Variant Server 0.00800.
gnomAD v4.1: 16,381 of 1,614,210 alleles (1%); highest among the groups gnomAD compares: South Asian, 1.6%; 112 homozygotes.

Submissions (4):

Labcorp Genetics (formerly Invitae), Labcorp
Classification: Benign. Last evaluated: 2026-01-25. Review status: criteria provided, single submitter. Criteria: Invitae Variant Classification Sherloc (09022015). Collection method: clinical testing. Allele origin: germline.

CeGaT Center for Human Genetics Tuebingen
Classification: Benign. Last evaluated: 2024-07-01. Review status: criteria provided, single submitter. Criteria: CeGaT Center For Human Genetics Tuebingen Variant Classification Criteria Version 2. Collection method: clinical testing. Allele origin: germline. Affected: yes. Observed: 2 variant alleles.
Comment: LETM1: BS1, BS2

Fulgent Genetics
Classification: Likely benign for 4p partial monosomy syndrome. Last evaluated: 2021-07-29. Review status: criteria provided, single submitter. Criteria: ACMG Guidelines, 2015. Collection method: clinical testing. Allele origin: unknown.

Breakthrough Genomics
Classification: Benign. Review status: criteria provided, single submitter. Criteria: ACMG Guidelines, 2015. Collection method: not provided. Allele origin: germline. Inheritance: Autosomal recessive inheritance. Affected: yes.